The following is an entry in ClinVar:

ClinVar aggregate classification (germline): Pathogenic (1 of 4 stars; one submission).

Conditions:
Familial dysautonomia. Also called: HSAN III; FD. Identifiers: Orphanet 1764, MedGen C0013364, MONDO:0009131, OMIM 223900. Disease mechanism: loss of function.

Submission:

Myriad Genetics, Inc.
Classification: Pathogenic for Familial dysautonomia. Last evaluated: 2025-05-17. Review status: criteria provided, single submitter. Criteria: Myriad Autosomal Dominant, Autosomal Recessive and X-Linked Classification Criteria (2023). Collection method: clinical testing. Allele origin: unknown.
Comment: NM_003640.3(ELP1):c.2447dupT(D817Rfs*18) is expected to be pathogenic in the context of familial dysautonomia. This variant is predicted to lead to an abnormal or absent protein product due to the creation of a premature termination codon in ELP1, a gene where loss-of-function variants are known to be pathogenic. Please note: this variant was assessed in the context of healthy population screening.

NM_003640.5(ELP1):c.2447dup (p.Asp817fs)

Gene: ELP1 (elongator acetyltransferase complex subunit 1; minus strand). Cytogenetic location: 9q31.3.
Variant type: Duplication.
Coding change: c.2447dup on transcript NM_003640.5 (MANE Select); coding-DNA position 2447, one base duplicated (T; older notation c.2447dupT).
Protein change: p.Asp817fs; shifts the reading frame from aspartic acid 817.
Molecular consequence: frameshift variant.
Genome position (GRCh38, 1-based): chr9:108,897,202, A duplicated on the plus strand (T on the coding strand, the reverse complement: ELP1 is on the minus strand). VCF-style (leftmost placement, unchanged base first): chr9-108897201-T-TA. GRCh37 (hg19) VCF-style: chr9-111659481-T-TA.
Other names: c.2105dup, p.Asp703fs (NM_001318360.2); c.1400dup, p.Asp468fs (NM_001330749.2); short protein forms D468fs, D703fs, D817fs.
Identifiers: ClinVar variation 5014460 (VCV005014460.1).